The following is an entry in ClinVar:

ClinVar aggregate classification (germline): Uncertain significance (1 of 4 stars; one submission).

Conditions:
Chédiak-Higashi syndrome (CHS). Also called: Chediak-Higashi Syndrome. Identifiers: Orphanet 167, MedGen C0007965, MONDO:0008963, OMIM 214500.

Allele frequency attached by ClinVar (database versions not stated): ExAC 0.00002; gnomAD 0.00002; TOPMed 0.00002; gnomAD exomes 0.00003.
gnomAD v4.1: 43 of 1,613,426 alleles (0.0027%); highest among the groups gnomAD compares: Non-Finnish European, 0.0036%; no homozygotes.

Submission:

Labcorp Genetics (formerly Invitae), Labcorp
Classification: Uncertain significance for Chédiak-Higashi syndrome. Last evaluated: 2022-10-04. Review status: criteria provided, single submitter. Criteria: Invitae Variant Classification Sherloc (09022015). Collection method: clinical testing. Allele origin: germline.
Comment: This sequence change replaces isoleucine, which is neutral and non-polar, with valine, which is neutral and non-polar, at codon 2073 of the LYST protein (p.Ile2073Val). This variant is present in population databases (rs765363830, gnomAD 0.006%). This variant has not been reported in the literature in individuals affected with LYST-related conditions. ClinVar contains an entry for this variant (Variation ID: 1061366). Advanced modeling of protein sequence and biophysical properties (such as structural, functional, and spatial information, amino acid conservation, physicochemical variation, residue mobility, and thermodynamic stability) performed at Invitae indicates that this missense variant is not expected to disrupt LYST protein function. Algorithms developed to predict the effect of sequence changes on RNA splicing suggest that this variant may disrupt the consensus splice site. In summary, the available evidence is currently insufficient to determine the role of this variant in disease. Therefore, it has been classified as a Variant of Uncertain Significance.

NM_000081.4(LYST):c.6217A>G (p.Ile2073Val)

Gene: LYST (lysosomal trafficking regulator; minus strand). Cytogenetic location: 1q42.3.
Variant type: single nucleotide variant.
Coding change: c.6217A>G on transcript NM_000081.4 (MANE Select); coding-DNA position 6217, A replaced by G.
Protein change: p.Ile2073Val; replaces isoleucine 2073 with valine.
Molecular consequence: missense variant.
Genome position (GRCh38, 1-based): chr1:235,762,756, T>C on the plus strand (A>G on the coding strand, the complement: LYST is on the minus strand). VCF-style: chr1-235762756-T-C. GRCh37 (hg19) VCF-style: chr1-235926056-T-C.
Other names: c.6217A>G, p.Ile2073Val (NM_001301365.1); short protein forms I2073V.
Identifiers: ClinVar variation 1061366 (VCV001061366.2), dbSNP rs765363830, ClinGen allele CA1466419.